The following is an entry in ClinVar:

NM_000152.5(GAA):c.2303C>T (p.Pro768Leu)

Gene: GAA (alpha glucosidase; plus strand). Cytogenetic location: 17q25.3.
Variant type: single nucleotide variant.
Coding change: c.2303C>T on transcript NM_000152.5 (MANE Select); coding-DNA position 2303, C replaced by T.
Protein change: p.Pro768Leu; replaces proline 768 with leucine.
Molecular consequence: missense variant.
Genome position (GRCh38, 1-based): chr17:80,117,081, C>T. VCF-style: chr17-80117081-C-T. GRCh37 (hg19) VCF-style: chr17-78090880-C-T.
Other names: c.2303C>T, p.Pro768Leu (NM_001079803.3, NM_001079804.3, NM_001406741.1 and 1 more transcripts); short protein forms P768L.
Identifiers: ClinVar variation 2507030 (VCV002507030.4), dbSNP rs2510396780, ClinGen allele CA401324900.

ClinVar aggregate classification (germline): Likely pathogenic. Review status: criteria provided, multiple submitters, no conflicts (2 of 4 stars). 3 submissions from 3 submitters: Likely pathogenic (3). Last evaluated 2026-07-01.

Conditions:
Glycogen storage disease, type II (IOPD). Also called: CARDIOMEGALIA GLYCOGENICA DIFFUSA; GLYCOGENOSIS, GENERALIZED, CARDIAC FORM; GSD II; Glycogen storage disease type 2; Acid maltase deficiency disease; Aglucosidase alfa. Identifiers: Orphanet 365, MedGen C0017921, MONDO:0009290, OMIM 232300.

Submissions (3):

Genomenon, Inc
Classification: Likely pathogenic for Glycogen storage disease, type II. Last evaluated: 2026-07-01. Review status: criteria provided, single submitter. Criteria: Genomenon Sequence Variant Interpretation Standards - Updated. Collection method: curation. Allele origin: germline. Affected: yes.
Comment: GAA p.Pro768Leu (c.2303C>T) is a missense variant that changes the amino acid at codon 768 from Proline to Leucine. This variant has been observed in at least one proband with a GAA-related disorder in the compound heterozygous and/or homozygous state (PMID:36137614;31953985;28196920). It is absent or not present at a significant frequency in gnomAD. In silico models predict that this variant is possibly or probably damaging. In conclusion, we classify GAA p.Pro768Leu (c.2303C>T) as a likely pathogenic variant.

Baylor Genetics
Classification: Likely pathogenic for Glycogen storage disease, type II. Last evaluated: 2023-09-01. Review status: criteria provided, single submitter. Criteria: ACMG Guidelines, 2015. Collection method: clinical testing. Allele origin: unknown.

Institute of Medical Genetics and Genomics, Sir Ganga Ram Hospital
Classification: Likely pathogenic for Glycogen storage disease, type II. Last evaluated: 2023-07-02. Review status: criteria provided, single submitter. Criteria: ACMG Guidelines, 2015. Collection method: clinical testing. Allele origin: germline. Inheritance: Autosomal recessive inheritance. Affected: yes. Observed: 1 homozygote.
Comment: This variant has not been found in gnomAD (aggregated) database till date. This variant has been reported previously PMID: 31342611.

Literature cited by the submitters: PubMed 36137614 (cited by Genomenon, Inc); PubMed 31953985 (cited by Genomenon, Inc); PubMed 28196920 (cited by Genomenon, Inc); PubMed 31342611 (cited by Institute of Medical Genetics and Genomics, Sir Ganga Ram Hospital).